The following is an entry in ClinVar:

ClinVar aggregate classification (germline): Uncertain significance (1 of 4 stars; one submission).

Allele frequency attached by ClinVar (database versions not stated): gnomAD exomes below 0.00001; gnomAD 0.00001; TOPMed 0.00001; 1000 Genomes Project 30x 0.00016.
gnomAD v4.1: 6 of 1,612,848 alleles (0.00037%); highest among the groups gnomAD compares: African/African-American, 0.004%; no homozygotes.

Submission:

Labcorp Genetics (formerly Invitae), Labcorp
Classification: Uncertain significance. Last evaluated: 2023-04-17. Review status: criteria provided, single submitter. Criteria: Invitae Variant Classification Sherloc (09022015). Collection method: clinical testing. Allele origin: germline.
Comment: This sequence change replaces proline, which is neutral and non-polar, with serine, which is neutral and polar, at codon 339 of the COL9A3 protein (p.Pro339Ser). This variant is not present in population databases (gnomAD no frequency). This variant has not been reported in the literature in individuals affected with COL9A3-related conditions. ClinVar contains an entry for this variant (Variation ID: 1399171). Advanced modeling of protein sequence and biophysical properties (such as structural, functional, and spatial information, amino acid conservation, physicochemical variation, residue mobility, and thermodynamic stability) performed at Invitae indicates that this missense variant is not expected to disrupt COL9A3 protein function. In summary, the available evidence is currently insufficient to determine the role of this variant in disease. Therefore, it has been classified as a Variant of Uncertain Significance.

NM_001853.4(COL9A3):c.1015C>T (p.Pro339Ser)

Gene: COL9A3 (collagen type IX alpha 3 chain; plus strand). Cytogenetic location: 20q13.33.
Variant type: single nucleotide variant.
Coding change: c.1015C>T on transcript NM_001853.4 (MANE Select); coding-DNA position 1015, C replaced by T.
Protein change: p.Pro339Ser; replaces proline 339 with serine.
Molecular consequence: missense variant.
Genome position (GRCh38, 1-based): chr20:62,829,461, C>T. VCF-style: chr20-62829461-C-T. GRCh37 (hg19) VCF-style: chr20-61460813-C-T.
Other names: short protein forms P339S.
Identifiers: ClinVar variation 1399171 (VCV001399171.6), dbSNP rs945591138, ClinGen allele CA317333549.